The following is an entry in ClinVar:

ClinVar aggregate classification (germline): Uncertain significance (1 of 4 stars; one submission).

Conditions:
Fanconi anemia (FA). Also called: Fanconi's anemia. Identifiers: Orphanet 84, MedGen C0015625, MeSH D005199, MONDO:0019391.

Allele frequency attached by ClinVar (database versions not stated): gnomAD exomes below 0.00001.

Submission:

Labcorp Genetics (formerly Invitae), Labcorp
Classification: Uncertain significance for Fanconi anemia. Last evaluated: 2021-07-19. Review status: criteria provided, single submitter. Criteria: Invitae Variant Classification Sherloc (09022015). Collection method: clinical testing. Allele origin: germline.
Comment: This sequence change replaces glutamine with proline at codon 290 of the FANCF protein (p.Gln290Pro). The glutamine residue is moderately conserved and there is a moderate physicochemical difference between glutamine and proline. This variant is not present in population databases (ExAC no frequency). This variant has not been reported in the literature in individuals affected with FANCF-related conditions. Algorithms developed to predict the effect of missense changes on protein structure and function output the following: SIFT: "Tolerated"; PolyPhen-2: "Benign"; Align-GVGD: "Class C0". The proline amino acid residue is found in multiple mammalian species, which suggests that this missense change does not adversely affect protein function. In summary, the available evidence is currently insufficient to determine the role of this variant in disease. Therefore, it has been classified as a Variant of Uncertain Significance.

NM_022725.4(FANCF):c.869A>C (p.Gln290Pro)

Gene: FANCF (FA complementation group F; minus strand). Cytogenetic location: 11p14.3.
Variant type: single nucleotide variant.
Coding change: c.869A>C on transcript NM_022725.4 (MANE Select); coding-DNA position 869, A replaced by C.
Protein change: p.Gln290Pro; replaces glutamine 290 with proline.
Molecular consequence: missense variant.
Genome position (GRCh38, 1-based): chr11:22,624,942, T>G on the plus strand (A>C on the coding strand, the complement: FANCF is on the minus strand). VCF-style: chr11-22624942-T-G. GRCh37 (hg19) VCF-style: chr11-22646488-T-G.
Other names: short protein forms Q290P.
Identifiers: ClinVar variation 1406386 (VCV001406386.8), dbSNP rs2133796621, ClinGen allele CA380058164.